The following is an entry in ClinVar:

ClinVar aggregate classification (germline): Uncertain significance (1 of 4 stars; one submission).

Conditions:
Muscular dystrophy-dystroglycanopathy (congenital with brain and eye anomalies), type A13. Also called: WALKER-WARBURG SYNDROME OR MUSCLE-EYE-BRAIN DISEASE, B3GNT1-RELATED; Muscular dystrophy-dystroglycanopathy (congenital with brain and eye anomalies), type a, 13. Identifiers: Orphanet 899, MedGen C3809042, MONDO:0014120, OMIM 615287.

Allele frequency attached by ClinVar (database versions not stated): ExAC 0.00002.
gnomAD v4.1: 3 of 1,610,244 alleles (0.00019%); highest among the groups gnomAD compares: Admixed American, 0.005%; no homozygotes.

Submission:

Labcorp Genetics (formerly Invitae), Labcorp
Classification: Uncertain significance for Muscular dystrophy-dystroglycanopathy (congenital with brain and eye anomalies), type A13. Last evaluated: 2022-10-05. Review status: criteria provided, single submitter. Criteria: Invitae Variant Classification Sherloc (09022015). Collection method: clinical testing. Allele origin: germline.
Comment: In summary, the available evidence is currently insufficient to determine the role of this variant in disease. Therefore, it has been classified as a Variant of Uncertain Significance. Algorithms developed to predict the effect of missense changes on protein structure and function output the following: SIFT: "Tolerated"; PolyPhen-2: "Benign"; Align-GVGD: "Class C0". The lysine amino acid residue is found in multiple mammalian species, which suggests that this missense change does not adversely affect protein function. This variant has not been reported in the literature in individuals affected with B4GAT1-related conditions. This variant is present in population databases (rs754466638, gnomAD 0.006%). This sequence change replaces arginine, which is basic and polar, with lysine, which is basic and polar, at codon 191 of the B4GAT1 protein (p.Arg191Lys).

NM_006876.3(B4GAT1):c.572G>A (p.Arg191Lys)

Gene: B4GAT1 (beta-1,4-glucuronyltransferase 1; minus strand). Cytogenetic location: 11q13.2.
Variant type: single nucleotide variant.
Coding change: c.572G>A on transcript NM_006876.3 (MANE Select); coding-DNA position 572, G replaced by A.
Protein change: p.Arg191Lys; replaces arginine 191 with lysine.
Molecular consequence: missense variant.
Genome position (GRCh38, 1-based): chr11:66,346,974, C>T on the plus strand (G>A on the coding strand, the complement: B4GAT1 is on the minus strand). VCF-style: chr11-66346974-C-T. GRCh37 (hg19) VCF-style: chr11-66114445-C-T.
Other names: short protein forms R191K.
Identifiers: ClinVar variation 2156309 (VCV002156309.4), dbSNP rs754466638, ClinGen allele CA6120535.